The following is an entry in ClinVar:

ClinVar aggregate classification (germline): Uncertain significance (1 of 4 stars; one submission).

gnomAD v4.1: 2 of 1,614,148 alleles (0.00012%); highest among the groups gnomAD compares: African/African-American, 0.0027%; no homozygotes.

Submission:

Labcorp Genetics (formerly Invitae), Labcorp
Classification: Uncertain significance. Last evaluated: 2024-04-08. Review status: criteria provided, single submitter. Criteria: Invitae Variant Classification Sherloc (09022015). Collection method: clinical testing. Allele origin: germline.
Comment: This sequence change replaces proline, which is neutral and non-polar, with arginine, which is basic and polar, at codon 53 of the EFTUD2 protein (p.Pro53Arg). This variant is present in population databases (rs564906314, gnomAD 0.007%). This variant has not been reported in the literature in individuals affected with EFTUD2-related conditions. An algorithm developed to predict the effect of missense changes on protein structure and function (PolyPhen-2) suggests that this variant is likely to be tolerated. In summary, the available evidence is currently insufficient to determine the role of this variant in disease. Therefore, it has been classified as a Variant of Uncertain Significance.

NM_004247.4(EFTUD2):c.158C>G (p.Pro53Arg)

Gene: EFTUD2 (elongation factor Tu GTP binding domain containing 2; minus strand). Cytogenetic location: 17q21.31.
Variant type: single nucleotide variant.
Coding change: c.158C>G on transcript NM_004247.4 (MANE Select); coding-DNA position 158, C replaced by G.
Protein change: p.Pro53Arg; replaces proline 53 with arginine.
Molecular consequence: missense variant.
Genome position (GRCh38, 1-based): chr17:44,886,698, G>C on the plus strand (C>G on the coding strand, the complement: EFTUD2 is on the minus strand). VCF-style: chr17-44886698-G-C. GRCh37 (hg19) VCF-style: chr17-42964066-G-C.
Other names: c.53C>G, p.Pro18Arg (NM_001142605.2); c.158C>G, p.Pro53Arg (NM_001258353.2, NM_001258354.2); short protein forms P18R, P53R.
Identifiers: ClinVar variation 3639167 (VCV003639167.2).
Genomic context (GRCh38, chr17:44,886,698, plus strand): 5'-TACACCTCCTCGGCTGTTGGGTAGTACTTCTTGTCCTCATGCAGCACCACCTCCATCCCA[G>C]GGTGGTCATCGTCATGATCTCCTACGTCATCGTCGTCGTCATCATCATCCATCTGAAAGC-3'
Protein context (NP_004238.3, residues 43-63): DDVGDHDDDH[Pro53Arg]GMEVVLHEDK